The following is an entry in ClinVar:

ClinVar aggregate classification (germline): Pathogenic (1 of 4 stars; one submission).

Submission:

Labcorp Genetics (formerly Invitae), Labcorp
Classification: Pathogenic. Last evaluated: 2024-03-26. Review status: criteria provided, single submitter. Criteria: Invitae Variant Classification Sherloc (09022015). Collection method: clinical testing. Allele origin: germline.
Comment: This sequence change creates a premature translational stop signal (p.Cys342Alafs*10) in the ERCC3 gene. It is expected to result in an absent or disrupted protein product. Loss-of-function variants in ERCC3 are known to be pathogenic (PMID: 16947863). This variant is present in population databases (rs746642182, gnomAD 0.0009%). This variant has not been reported in the literature in individuals affected with ERCC3-related conditions. For these reasons, this variant has been classified as Pathogenic.

Literature cited by the submitters: PubMed 16947863.

NM_000122.2(ERCC3):c.1023del (p.Cys342fs)

Gene: ERCC3 (ERCC excision repair 3, TFIIH core complex helicase subunit; minus strand). Cytogenetic location: 2q14.3.
Variant type: Deletion.
Coding change: c.1023del on transcript NM_000122.2 (MANE Select); coding-DNA position 1023, one base deleted (C; older notation c.1023delC).
Protein change: p.Cys342fs; shifts the reading frame from cysteine 342.
Molecular consequence: frameshift variant.
Genome position (GRCh38, 1-based): chr2:127,288,664, G deleted on the plus strand (C on the coding strand, the reverse complement: ERCC3 is on the minus strand); the first of 3 consecutive G bases (chr2:127,288,664-127,288,666); deleting any one gives the same sequence. VCF-style (leftmost placement, unchanged base first): chr2-127288663-AG-A. GRCh37 (hg19) VCF-style: chr2-128046239-AG-A.
Other names: c.831del, p.Cys278fs (NM_001303416.2, NM_001303418.2); short protein forms C278fs, C342fs.
Identifiers: ClinVar variation 3689869 (VCV003689869.2).